The following is an entry in ClinVar:

ClinVar aggregate classification (germline): Conflicting classifications of pathogenicity. Review status: criteria provided, conflicting classifications (1 of 4 stars). 4 submissions from 4 submitters: Uncertain significance (2); Likely benign (1). 1 of the submissions does not count toward it. Last evaluated 2026-01-18.

Conditions:
Cohen syndrome (COH1). Also called: Cutis verticis gyrata, retinitis pigmentosa, and sensorineural deafness; PEPPER SYNDROME. Identifiers: Orphanet 193, MedGen C0265223, MONDO:0008999, OMIM 216550.
VPS13B-related disorder. Also called: VPS13B-related condition.
Inborn genetic diseases. Identifiers: MedGen C0950123, MeSH D030342.

Allele frequency attached by ClinVar (database versions not stated): TOPMed below 0.00001; gnomAD 0.00002; ExAC 0.00006; 1000 Genomes Project 0.00040; 1000 Genomes Project 30x 0.00047.
gnomAD v4.1: 30 of 1,614,002 alleles (0.0019%); highest among the groups gnomAD compares: South Asian, 0.032%; 1 homozygote.

Submissions (4):

Labcorp Genetics (formerly Invitae), Labcorp
Classification: Likely benign for Cohen syndrome. Last evaluated: 2026-01-18. Review status: criteria provided, single submitter. Criteria: Invitae Variant Classification Sherloc (09022015). Collection method: clinical testing. Allele origin: germline.

Ambry Genetics
Classification: Uncertain significance for Inborn genetic diseases. Last evaluated: 2023-06-06. Review status: criteria provided, single submitter. Criteria: Ambry Variant Classification Scheme 2023. Collection method: clinical testing. Allele origin: germline.

Molecular Endocrinology Laboratory, Christian Medical College
Classification: Uncertain significance for Cohen syndrome. Review status: criteria provided, single submitter. Criteria: ACMG Guidelines, 2015. Collection method: clinical testing. Allele origin: germline. Affected: yes.

PreventionGenetics, part of Exact Sciences
Classification: Uncertain significance for VPS13B-related condition. Last evaluated: 2024-08-01. Review status: no assertion criteria provided. Collection method: clinical testing. Allele origin: germline. Not counted in ClinVar's aggregate classification.
Comment: The VPS13B c.3742C>G variant is predicted to result in the amino acid substitution p.Leu1248Val. To our knowledge, this variant has not been reported in the literature. This variant is reported in 0.023% of alleles in individuals of South Asian descent in gnomAD. At this time, the clinical significance of this variant is uncertain due to the absence of conclusive functional and genetic evidence.

NM_152564.5(VPS13B):c.3742C>G (p.Leu1248Val)

Gene: VPS13B (vacuolar protein sorting 13 homolog B; plus strand). Cytogenetic location: 8q22.2.
Variant type: single nucleotide variant.
Coding change: c.3742C>G on transcript NM_152564.5 (MANE Select); coding-DNA position 3742, C replaced by G.
Protein change: p.Leu1248Val; replaces leucine 1248 with valine.
Molecular consequence: missense variant.
Genome position (GRCh38, 1-based): chr8:99,481,674, C>G. VCF-style: chr8-99481674-C-G. GRCh37 (hg19) VCF-style: chr8-100493902-C-G.
Other names: c.3742C>G, p.Leu1248Val (NM_017890.5); c.3742C>G (NM_017890.3, NM_152564.4); short protein forms L1248V.
Identifiers: ClinVar variation 1339316 (VCV001339316.8), dbSNP rs562686924, ClinGen allele CA4823327.
Genomic context (GRCh38, chr8:99,481,674, plus strand): 5'-GAACTAACTGATATCATGAATAAGGTCTGGAACAAGATTCAGAAGAGAGGCAATCTCAAC[C>G]TATCTCCAACCTCTCCAGAGACCATGGCAGGGCCTGTTCCTACTTCTCCAGTTAGAAGCA-3'
Protein context (NP_689777.3, residues 1238-1258): NKIQKRGNLN[Leu1248Val]SPTSPETMAG